The following is an entry in ClinVar:

ClinVar aggregate classification (germline): Uncertain significance (1 of 4 stars; one submission).

Submission:

GeneDx
Classification: Uncertain significance. Last evaluated: 2022-04-15. Review status: criteria provided, single submitter. Criteria: GeneDx Variant Classification Process June 2021. Collection method: clinical testing. Allele origin: germline. Affected: yes.
Comment: Not observed at significant frequency in large population cohorts (gnomAD); In silico analysis supports that this missense variant has a deleterious effect on protein structure/function; Has not been previously published as pathogenic or benign to our knowledge

NM_014712.3(SETD1A):c.2401G>C (p.Glu801Gln)

Gene: SETD1A (SET domain containing 1A, histone lysine methyltransferase; plus strand). Cytogenetic location: 16p11.2.
Variant type: single nucleotide variant.
Coding change: c.2401G>C on transcript NM_014712.3 (MANE Select); coding-DNA position 2401, G replaced by C.
Protein change: p.Glu801Gln; replaces glutamic acid 801 with glutamine.
Molecular consequence: missense variant.
Genome position (GRCh38, 1-based): chr16:30,966,282, G>C. VCF-style: chr16-30966282-G-C. GRCh37 (hg19) VCF-style: chr16-30977603-G-C.
Other names: short protein forms E801Q.
Identifiers: ClinVar variation 1712557 (VCV001712557.2), dbSNP rs2543863896, ClinGen allele CA395620185.